The following is an entry in ClinVar:

ClinVar aggregate classification (germline): Uncertain significance (1 of 4 stars; one submission).

Conditions:
MAGEL2-related disorder. Also called: MAGEL2-related condition.

Submission:

PreventionGenetics, part of Exact Sciences
Classification: Uncertain significance for MAGEL2-related condition. Last evaluated: 2025-04-11. Review status: criteria provided, single submitter. Criteria: ACMG Guidelines, 2015. Collection method: clinical testing. Allele origin: germline.
Comment: The MAGEL2 c.1037G>C variant is predicted to result in the amino acid substitution p.Arg346Thr. To our knowledge, this variant has not been reported in the literature or in a large population database (gnomAD), indicating this variant is rare. At this time, the clinical significance of this variant is uncertain due to the absence of conclusive functional and genetic evidence.

NM_019066.5(MAGEL2):c.1037G>C (p.Arg346Thr)

Gene: MAGEL2 (MAGE family member L2; minus strand). Cytogenetic location: 15q11.2.
Variant type: single nucleotide variant.
Coding change: c.1037G>C on transcript NM_019066.5 (MANE Select); coding-DNA position 1037, G replaced by C.
Protein change: p.Arg346Thr; replaces arginine 346 with threonine.
Molecular consequence: missense variant.
Genome position (GRCh38, 1-based): chr15:23,646,706, C>G on the plus strand (G>C on the coding strand, the complement: MAGEL2 is on the minus strand). VCF-style: chr15-23646706-C-G. GRCh37 (hg19) VCF-style: chr15-23891853-C-G.
Other names: short protein forms R346T.
Identifiers: ClinVar variation 4998290 (VCV004998290.1).